The following is an entry in ClinVar:

NM_138295.5(PKD1L1):c.2027C>T (p.Pro676Leu)

Gene: PKD1L1 (polycystin 1 like 1, transient receptor potential channel interacting; minus strand). Cytogenetic location: 7p12.3.
Variant type: single nucleotide variant.
Coding change: c.2027C>T on transcript NM_138295.5 (MANE Select); coding-DNA position 2027, C replaced by T.
Protein change: p.Pro676Leu; replaces proline 676 with leucine.
Molecular consequence: missense variant.
Genome position (GRCh38, 1-based): chr7:47,902,416, G>A on the plus strand (C>T on the coding strand, the complement: PKD1L1 is on the minus strand). VCF-style: chr7-47902416-G-A. GRCh37 (hg19) VCF-style: chr7-47942013-G-A.
Other names: short protein forms P676L.
Identifiers: ClinVar variation 1806193 (VCV001806193.1), dbSNP rs149987801, ClinGen allele CA4253878.

ClinVar aggregate classification (germline): Uncertain significance (1 of 4 stars; one submission).

Conditions:
Heterotaxy, visceral, 8, autosomal (HTX8). Identifiers: MedGen C4310668, MONDO:0014967, OMIM 617205.

Allele frequency attached by ClinVar (database versions not stated): ExAC 0.00001; TOPMed 0.00002; gnomAD 0.00003; ESP Exome Variant Server 0.00008.
gnomAD v4.1: 59 of 1,614,072 alleles (0.0037%); highest among the groups gnomAD compares: Non-Finnish European, 0.0049%; no homozygotes.

Submission:

Victorian Clinical Genetics Services, Murdoch Childrens Research Institute
Classification: Uncertain significance for Heterotaxy, visceral, 8, autosomal. Last evaluated: 2021-05-06. Review status: criteria provided, single submitter. Criteria: ACMG Guidelines, 2015. Collection method: clinical testing. Allele origin: germline. Inheritance: Autosomal recessive inheritance. Affected: yes.
Comment: Based on the classification scheme VCGS_Germline_v1.3.4, this variant is classified as 3A-VUS. Following criteria are met: 0102 - Loss of function is a likely mechanism of disease in this gene and is associated with Heterotaxy, visceral, 8 (MIM#617205). (I) 0106 - This gene is associated with autosomal recessive disease. (I) 0200 - Variant is predicted to result in a missense amino acid change from proline to leucine. (I) 0251 - This variant is heterozygous. (I) 0304 - Variant is present in gnomAD <0.01 for a recessive condition (v2: 3 heterozygotes, 0 homozygotes). (SP) 0502 - Missense variant with conflicting in silico predictions and uninformative conservation. (I) 0600 - Variant is located in the annotated REJ domain (Uniprot). (I) 0705 - No comparable missense variants have previous evidence for pathogenicity. (I) 0803 - This variant has limited previous evidence of pathogenicity in an unrelated individual. However, no clinical information or evidence was provided for its pathogenicity (LOVD). (I) 0905 - No published segregation evidence has been identified for this variant. (I) 1007 - No published functional evidence has been identified for this variant. (I) 1208 - Inheritance information for this variant is not currently available in this individual. (I) Legend: (SP) - Supporting pathogenic, (I) - Information, (SB) - Supporting benign